The following is an entry in ClinVar:

ClinVar aggregate classification (germline): Conflicting classifications of pathogenicity. Review status: criteria provided, conflicting classifications (1 of 4 stars). 2 submissions from 2 submitters: Uncertain significance (1); Likely benign (1). Last evaluated 2025-12-01.

Conditions:
Cardiovascular phenotype. Identifiers: MedGen CN230736.

Allele frequency attached by ClinVar (database versions not stated): 1000 Genomes Project 30x 0.00016.
gnomAD v4.1: 97 of 1,613,826 alleles (0.006%); highest among the groups gnomAD compares: South Asian, 0.076%; 2 homozygotes.

Submissions (2):

Ambry Genetics
Classification: Uncertain significance for Cardiovascular phenotype. Last evaluated: 2025-12-01. Review status: criteria provided, single submitter. Criteria: Ambry Variant Classification Scheme 2023. Collection method: clinical testing. Allele origin: germline.
Comment: The p.R152C variant (also known as c.454C>T), located in coding exon 9 of the MFAP5 gene, results from a C to T substitution at nucleotide position 454. The arginine at codon 152 is replaced by cysteine, an amino acid with highly dissimilar properties. This amino acid position is well conserved in available vertebrate species. In addition, the in silico prediction for this alteration is inconclusive. The evidence for this gene-disease relationship is limited; therefore, the clinical significance of this alteration is unclear.

Labcorp Genetics (formerly Invitae), Labcorp
Classification: Likely benign. Last evaluated: 2025-09-14. Review status: criteria provided, single submitter. Criteria: Invitae Variant Classification Sherloc (09022015). Collection method: clinical testing. Allele origin: germline.

NM_003480.4(MFAP5):c.454C>T (p.Arg152Cys)

Genes: MFAP5 (microfibril associated protein 5; minus strand), LOC126861443 (BRD4-independent group 4 enhancer GRCh37_chr12:8800473-8801672; plus strand). Cytogenetic location: 12p13.31.
Variant type: single nucleotide variant.
Coding change: c.454C>T on transcript NM_003480.4 (MANE Select); coding-DNA position 454, C replaced by T.
Protein change: p.Arg152Cys; replaces arginine 152 with cysteine.
Molecular consequence: missense variant. On other transcripts: non-coding transcript variant (2).
Genome position (GRCh38, 1-based): chr12:8,648,159, G>A on the plus strand (C>T on the coding strand, the complement: MFAP5 is on the minus strand). VCF-style: chr12-8648159-G-A. GRCh37 (hg19) VCF-style: chr12-8800755-G-A.
Other names: c.454C>T (NM_003480.2); c.424C>T, p.Arg142Cys (NM_001297709.2); c.388C>T, p.Arg130Cys (NM_001297710.2); c.379C>T, p.Arg127Cys (NM_001297711.2); c.262C>T, p.Arg88Cys (NM_001297712.2); short protein forms R130C, R142C, R88C, R127C, R152C.
Identifiers: ClinVar variation 2912834 (VCV002912834.4), dbSNP rs765205871, ClinGen allele CA6434567.